The following is an entry in ClinVar:

NM_001035.3(RYR2):c.6929G>T (p.Gly2310Val)

Gene: RYR2 (ryanodine receptor 2; plus strand). Cytogenetic location: 1q43.
Variant type: single nucleotide variant.
Coding change: c.6929G>T on transcript NM_001035.3 (MANE Select); coding-DNA position 6929, G replaced by T.
Protein change: p.Gly2310Val; replaces glycine 2310 with valine.
Molecular consequence: missense variant.
Genome position (GRCh38, 1-based): chr1:237,639,015, G>T. VCF-style: chr1-237639015-G-T. GRCh37 (hg19) VCF-style: chr1-237802315-G-T.
Other names: short protein forms G2310V.
Identifiers: ClinVar variation 921901 (VCV000921901.3), dbSNP rs1681169798, ClinGen allele CA345395730.

ClinVar aggregate classification (germline): Uncertain significance (1 of 4 stars; one submission).

Conditions:
Cardiomyopathy (CMYO). Also called: Cardiomyopathies. Identifiers: Orphanet 167848, MedGen C0878544, MONDO:0004994, HP:0001638. Inheritance: Various modes of inheritance.

Submission:

Color Diagnostics, LLC DBA Color Health
Classification: Uncertain significance for Cardiomyopathy. Last evaluated: 2018-11-26. Review status: criteria provided, single submitter. Criteria: ACMG Guidelines, 2015. Collection method: clinical testing. Allele origin: germline.
Comment: Variant of Uncertain Significance due to insufficient evidence: This variant is located in the cytoplasmic domain of the RYR2 protein. Computational prediction tools and conservation analyses suggest that this variant may have deleterious impact on the protein function. Computational splicing tools suggest that this variant may not impact RNA splicing. To our knowledge, functional assays have not been performed for this variant nor has this variant been reported in individuals affected with cardiovascular disorders in the literature. This variant is rare in the general population and has been identified in 0/277264 chromosomes by the Genome Aggregation Database (gnomAD). Available evidence is insufficient to determine the pathogenicity of this variant conclusively.